The following is an entry in ClinVar:

ClinVar aggregate classification (germline): Pathogenic (1 of 4 stars; one submission).

Conditions:
Multiple congenital exostosis (EXT). Also called: MULTIPLE CARTILAGINOUS EXOSTOSES; Multiple osteochondromas; Hereditary multiple exostoses; Hereditary multiple exostosis; Multiple exostoses; Hereditary multiple osteochondromas. Identifiers: Orphanet 321, MedGen C0015306, MONDO:0005508, HP:0002762.

Submission:

Labcorp Genetics (formerly Invitae), Labcorp
Classification: Pathogenic for Multiple congenital exostosis. Last evaluated: 2018-09-04. Review status: criteria provided, single submitter. Criteria: Invitae Variant Classification Sherloc (09022015). Collection method: clinical testing. Allele origin: germline.
Comment: Loss-of-function variants in EXT1 are known to be pathogenic (PMID: 10679937, 11391482, 19810120). This sequence change creates a premature translational stop signal (p.Glu38Lysfs*98) in the EXT1 gene. It is expected to result in an absent or disrupted protein product. This variant is not present in population databases (ExAC no frequency). This variant has not been reported in the literature in individuals with EXT1-related disease. For these reasons, this variant has been classified as Pathogenic.

Literature cited by the submitters: PubMed 10679937; PubMed 11391482; PubMed 19810120.

NM_000127.3(EXT1):c.111del (p.Glu38fs)

Gene: EXT1 (exostosin glycosyltransferase 1; minus strand). Cytogenetic location: 8q24.11.
Variant type: Deletion.
Coding change: c.111del on transcript NM_000127.3 (MANE Select); coding-DNA position 111, one base deleted (A; older notation c.111delA).
Protein change: p.Glu38fs; shifts the reading frame from glutamic acid 38.
Molecular consequence: frameshift variant.
Genome position (GRCh38, 1-based): chr8:118,110,936, T deleted on the plus strand (A on the coding strand, the reverse complement: EXT1 is on the minus strand). VCF-style (leftmost placement, unchanged base first): chr8-118110935-CT-C. GRCh37 (hg19) VCF-style: chr8-119123174-CT-C.
Other names: c.111delA (NM_000127.2); short protein forms E38fs.
Identifiers: ClinVar variation 663481 (VCV000663481.6), dbSNP rs1586280235, ClinGen allele CA915948676.
Genomic context (GRCh38, chr8:118,110,935, plus strand): 5'-AGCGGGGCCAGAAATGATCCGGACTGGGGTGGTGCAAGCCATTCCTACCGCTGTGTTCTT[CT>C]CTCCGGCTGTGGCTCCTCGATGCCCTAAACTGCAAGCCTCCGAAATAAAACAAAAGGGCG-3'